The following is an entry in ClinVar:

ClinVar aggregate classification (germline): Conflicting classifications of pathogenicity. Review status: criteria provided, conflicting classifications (1 of 4 stars). 6 submissions from 6 submitters: Uncertain significance (5); Likely benign (1). Last evaluated 2024-10-30.

Conditions:
Auditory neuropathy, autosomal dominant 3 (AUNA3). Identifiers: MedGen C5676964, MONDO:0859235, OMIM 619832.
Emery-Dreifuss muscular dystrophy 7, autosomal dominant (EDMD7). Also called: Emery-Dreifuss muscular dystrophy 7, AD. Identifiers: Orphanet 261, MedGen C3553060, MONDO:0013677, OMIM 614302.
Arrhythmogenic right ventricular dysplasia 5. Also called: ARRHYTHMOGENIC RIGHT VENTRICULAR DYSPLASIA, FAMILIAL, 5; Arrhythmogenic Right Ventricular Dysplasia/Cardiomyopathy 5. Identifiers: MedGen C1858379, MONDO:0011459, OMIM 604400.
Cardiovascular phenotype. Identifiers: MedGen CN230736.
Cardiomyopathy (CMYO). Also called: Cardiomyopathies. Identifiers: Orphanet 167848, MedGen C0878544, MONDO:0004994, HP:0001638. Inheritance: Various modes of inheritance.

Allele frequency attached by ClinVar (database versions not stated): gnomAD exomes 0.00001 and 0.00002; TOPMed 0.00001; gnomAD 0.00002; ExAC 0.00003.

Submissions (6):

Labcorp Genetics (formerly Invitae), Labcorp
Classification: Uncertain significance for Arrhythmogenic right ventricular dysplasia 5. Last evaluated: 2024-10-30. Review status: criteria provided, single submitter. Criteria: Invitae Variant Classification Sherloc (09022015). Collection method: clinical testing. Allele origin: germline.
Comment: This sequence change replaces phenylalanine, which is neutral and non-polar, with leucine, which is neutral and non-polar, at codon 353 of the TMEM43 protein (p.Phe353Leu). This variant is present in population databases (rs730880227, gnomAD 0.02%). This variant has not been reported in the literature in individuals affected with TMEM43-related conditions. ClinVar contains an entry for this variant (Variation ID: 180546). Invitae Evidence Modeling of protein sequence and biophysical properties (such as structural, functional, and spatial information, amino acid conservation, physicochemical variation, residue mobility, and thermodynamic stability) indicates that this missense variant is not expected to disrupt TMEM43 protein function with a negative predictive value of 80%. In summary, the available evidence is currently insufficient to determine the role of this variant in disease. Therefore, it has been classified as a Variant of Uncertain Significance.

Color Diagnostics, LLC DBA Color Health
Classification: Uncertain significance for Cardiomyopathy. Last evaluated: 2024-05-20. Review status: criteria provided, single submitter. Criteria: ACMG Guidelines, 2015. Collection method: clinical testing. Allele origin: germline.
Comment: This missense variant replaces phenylalanine with leucine at codon 353 of the TMEM43 protein. Computational prediction suggests that this variant may not impact protein structure and function (internally defined REVEL score threshold <= 0.5, PMID: 27666373). To our knowledge, functional studies have not been reported for this variant. This variant has not been reported in individuals affected with TMEM43-related disorders in the literature. This variant has been identified in 7/282712 chromosomes in the general population by the Genome Aggregation Database (gnomAD). The available evidence is insufficient to determine the role of this variant in disease conclusively. Therefore, this variant is classified as a Variant of Uncertain Significance.

All of Us Research Program, National Institutes of Health
Classification: Uncertain significance for Arrhythmogenic right ventricular dysplasia 5. Last evaluated: 2023-08-23. Review status: criteria provided, single submitter. Criteria: ACMG Guidelines, 2015. Collection method: clinical testing. Allele origin: germline. Inheritance: Autosomal dominant inheritance. Observed: 5 variant alleles, 5 heterozygotes.
Comment: This missense variant replaces phenylalanine with leucine at codon 353 of the TMEM43 protein. Computational prediction suggests that this variant may not impact protein structure and function (internally defined REVEL score threshold <= 0.5, PMID: 27666373). To our knowledge, functional studies have not been reported for this variant. This variant has not been reported in individuals affected with cardiovascular disorders in the literature. This variant has been identified in 7/282712 chromosomes in the general population by the Genome Aggregation Database (gnomAD). The available evidence is insufficient to determine the role of this variant in disease conclusively. Therefore, this variant is classified as a Variant of Uncertain Significance.

This study involves interpretation of variants in research participants for the purpose of population health screening. Participant phenotype was not available at the time of variant classification. Additional details can be found in publication PMID: 35346344, PMCID: PMC8962531

Blueprint Genetics
Classification: Likely benign. Last evaluated: 2022-10-26. Review status: criteria provided, single submitter. Criteria: ACMG Guidelines, 2015. Collection method: clinical testing. Allele origin: germline.

Department of Pathology and Laboratory Medicine, Sinai Health System
Classification: Uncertain significance for Arrhythmogenic right ventricular dysplasia 5; Emery-Dreifuss muscular dystrophy 7, autosomal dominant; Auditory neuropathy, autosomal dominant 3. Last evaluated: 2022-09-27. Review status: criteria provided, single submitter. Criteria: ACMG Guidelines, 2015. Collection method: research. Allele origin: germline.

Ambry Genetics
Classification: Uncertain significance for Cardiovascular phenotype. Last evaluated: 2022-07-21. Review status: criteria provided, single submitter. Criteria: Ambry Variant Classification Scheme 2023. Collection method: clinical testing. Allele origin: germline.
Comment: The p.F353L variant (also known as c.1059C>G), located in coding exon 12 of the TMEM43 gene, results from a C to G substitution at nucleotide position 1059. The phenylalanine at codon 353 is replaced by leucine, an amino acid with highly similar properties. This variant co-occurred with other variants in cardiac-related genes in an individual from a cardiomyopathy cohort, and has also been detected in a sudden death and a dementia cohorts (Pasanen P et al. Eur J Hum Genet, 2018 06;26:827-837; Salfati EL et al. Genome Med, 2019 12;11:83; Gaertner A et al. Hum Mutat, 2020 11;41:1931-1943). This amino acid position is not well conserved in available vertebrate species. In addition, this alteration is predicted to be tolerated by in silico analysis. Since supporting evidence is limited at this time, the clinical significance of this alteration remains unclear.

Literature cited by the submitters: PubMed 29476165 (cited by Ambry Genetics); PubMed 31847883 (cited by Ambry Genetics); PubMed 32840935 (cited by Ambry Genetics).

NM_024334.3(TMEM43):c.1059C>G (p.Phe353Leu)

Gene: TMEM43 (transmembrane protein 43; plus strand). Cytogenetic location: 3p25.1.
Variant type: single nucleotide variant.
Coding change: c.1059C>G on transcript NM_024334.3 (MANE Select); coding-DNA position 1059, C replaced by G.
Protein change: p.Phe353Leu; replaces phenylalanine 353 with leucine.
Molecular consequence: missense variant.
Genome position (GRCh38, 1-based): chr3:14,141,651, C>G. VCF-style: chr3-14141651-C-G. GRCh37 (hg19) VCF-style: chr3-14183151-C-G.
Other names: short protein forms F353L.
Identifiers: ClinVar variation 180546 (VCV000180546.13), dbSNP rs730880227, ClinGen allele CA024565.